The following is an entry in ClinVar:

NM_004304.5(ALK):c.813del (p.Cys272fs)

Gene: ALK (ALK receptor tyrosine kinase; minus strand). Cytogenetic location: 2p23.2.
Variant type: Deletion.
Coding change: c.813del on transcript NM_004304.5 (MANE Select); coding-DNA position 813, one base deleted (C; older notation c.813delC).
Protein change: p.Cys272fs; shifts the reading frame from cysteine 272.
Molecular consequence: frameshift variant.
Genome position (GRCh38, 1-based): chr2:29,694,989, G deleted on the plus strand (C on the coding strand, the reverse complement: ALK is on the minus strand); the first of 4 consecutive G bases (chr2:29,694,989-29,694,992); deleting any one gives the same sequence. VCF-style (leftmost placement, unchanged base first): chr2-29694988-AG-A. GRCh37 (hg19) VCF-style: chr2-29917854-AG-A.
Other names: short protein forms C272fs.
Identifiers: ClinVar variation 2061703 (VCV002061703.4), dbSNP rs1678512149, ClinGen allele CA1241314117.

ClinVar aggregate classification (germline): Uncertain significance (1 of 4 stars; one submission).

Conditions:
Neuroblastoma, susceptibility to, 3. Also called: ALK-Related Neuroblastic Tumor Susceptibility. Identifiers: Orphanet 635, MedGen C2751681, MONDO:0013083, OMIM 613014.

Submission:

Labcorp Genetics (formerly Invitae), Labcorp
Classification: Uncertain significance for Neuroblastoma, susceptibility to, 3. Last evaluated: 2021-12-27. Review status: criteria provided, single submitter. Criteria: Invitae Variant Classification Sherloc (09022015). Collection method: clinical testing. Allele origin: germline.
Comment: In summary, the available evidence is currently insufficient to determine the role of this variant in disease. Therefore, it has been classified as a Variant of Uncertain Significance. Experimental studies and prediction algorithms are not available or were not evaluated, and the functional significance of this variant is currently unknown. This variant has not been reported in the literature in individuals affected with ALK-related conditions. This variant is not present in population databases (gnomAD no frequency). This sequence change creates a premature translational stop signal (p.Cys272Valfs*63) in the ALK gene. It is expected to result in an absent or disrupted protein product. However, the current clinical and genetic evidence is not sufficient to establish whether loss-of-function variants in ALK cause disease.